The following is an entry in ClinVar:

ClinVar aggregate classification (germline): Uncertain significance. Review status: criteria provided, multiple submitters, no conflicts (2 of 4 stars). 2 submissions from 2 submitters: Uncertain significance (2). Last evaluated 2025-06-08.

Conditions:
Inborn genetic diseases. Identifiers: MedGen C0950123, MeSH D030342.

gnomAD v4.1: 39 of 1,613,612 alleles (0.0024%); highest among the groups gnomAD compares: Non-Finnish European, 0.0031%; no homozygotes.

Submissions (2):

Ambry Genetics
Classification: Uncertain significance for Inborn genetic diseases. Last evaluated: 2025-06-08. Review status: criteria provided, single submitter. Criteria: Ambry Variant Classification Scheme 2023. Collection method: clinical testing. Allele origin: germline.

Labcorp Genetics (formerly Invitae), Labcorp
Classification: Uncertain significance. Last evaluated: 2025-03-22. Review status: criteria provided, single submitter. Criteria: Invitae Variant Classification Sherloc (09022015). Collection method: clinical testing. Allele origin: germline.
Comment: This sequence change replaces serine, which is neutral and polar, with arginine, which is basic and polar, at codon 37 of the ITGB3 protein (p.Ser37Arg). This variant is present in population databases (rs753146344, gnomAD 0.002%). This variant has not been reported in the literature in individuals affected with ITGB3-related conditions. Invitae Evidence Modeling of protein sequence and biophysical properties (such as structural, functional, and spatial information, amino acid conservation, physicochemical variation, residue mobility, and thermodynamic stability) indicates that this missense variant is not expected to disrupt ITGB3 protein function with a negative predictive value of 80%. In summary, the available evidence is currently insufficient to determine the role of this variant in disease. Therefore, it has been classified as a Variant of Uncertain Significance.

NM_000212.3(ITGB3):c.111C>A (p.Ser37Arg)

Gene: ITGB3 (integrin subunit beta 3; plus strand). Cytogenetic location: 17q21.32.
Variant type: single nucleotide variant.
Coding change: c.111C>A on transcript NM_000212.3 (MANE Select); coding-DNA position 111, C replaced by A.
Protein change: p.Ser37Arg; replaces serine 37 with arginine.
Molecular consequence: missense variant.
Genome position (GRCh38, 1-based): chr17:47,274,450, C>A. VCF-style: chr17-47274450-C-A. GRCh37 (hg19) VCF-style: chr17-45351816-C-A.
Other names: short protein forms S37R.
Identifiers: ClinVar variation 4040125 (VCV004040125.2).